The following is an entry in ClinVar:

ClinVar aggregate classification (germline): Likely benign (1 of 4 stars; one submission).

gnomAD v4.1: 33 of 1,613,764 alleles (0.002%); highest among the groups gnomAD compares: Middle Eastern, 0.017%; 1 homozygote.

Submission:

CeGaT Center for Human Genetics Tuebingen
Classification: Likely benign. Last evaluated: 2026-02-01. Review status: criteria provided, single submitter. Criteria: CeGaT Center For Human Genetics Tuebingen Variant Classification Criteria Version 2. Collection method: clinical testing. Allele origin: germline. Affected: yes. Observed: 1 variant allele.
Comment: RFC1: BP4, BP7

NM_002913.5(RFC1):c.2904A>G (p.Thr968=)

Gene: RFC1 (replication factor C subunit 1; minus strand). Cytogenetic location: 4p14.
Variant type: single nucleotide variant.
Coding change: c.2904A>G on transcript NM_002913.5 (MANE Select); coding-DNA position 2904, A replaced by G.
Protein change: p.Thr968=; no amino-acid change (threonine 968 retained).
Molecular consequence: synonymous variant.
Genome position (GRCh38, 1-based): chr4:39,295,664, T>C on the plus strand (A>G on the coding strand, the complement: RFC1 is on the minus strand). VCF-style: chr4-39295664-T-C. GRCh37 (hg19) VCF-style: chr4-39297284-T-C.
Other names: c.2907A>G, p.Thr969= (NM_001204747.2); c.2826A>G, p.Thr942= (NM_001363495.2); c.2829A>G, p.Thr943= (NM_001363496.2).
Identifiers: ClinVar variation 4821342 (VCV004821342.4).